The following is an entry in ClinVar:

ClinVar aggregate classification (germline): Uncertain significance (1 of 4 stars; one submission).

Submission:

GeneDx
Classification: Uncertain significance. Last evaluated: 2024-11-07. Review status: criteria provided, single submitter. Criteria: GeneDx Variant Classification Process June 2021. Collection method: clinical testing. Allele origin: germline. Affected: yes.
Comment: Not observed at significant frequency in large population cohorts (gnomAD); In silico analysis supports that this missense variant has a deleterious effect on protein structure/function; In silico analysis suggests this variant may impact gene splicing. In the absence of RNA/functional studies, the actual effect of this sequence change is unknown.; Has not been previously published as pathogenic or benign to our knowledge

NM_014043.4(CHMP2B):c.325A>G (p.Met109Val)

Gene: CHMP2B (charged multivesicular body protein 2B; plus strand). Cytogenetic location: 3p11.2.
Variant type: single nucleotide variant.
Coding change: c.325A>G on transcript NM_014043.4 (MANE Select); coding-DNA position 325, A replaced by G.
Protein change: p.Met109Val; replaces methionine 109 with valine.
Molecular consequence: missense variant.
Genome position (GRCh38, 1-based): chr3:87,249,878, A>G. VCF-style: chr3-87249878-A-G. GRCh37 (hg19) VCF-style: chr3-87299028-A-G.
Other names: c.202A>G, p.Met68Val (NM_001244644.2); c.421A>G, p.Met141Val (NM_001410777.1); short protein forms M109V, M141V, M68V.
Identifiers: ClinVar variation 3899071 (VCV003899071.1).
Genomic context (GRCh38, chr3:87,249,878, plus strand): 5'-CATAGTAAAATTTTCATAATTATGGAAGTAACATGAATCTTGTAAATACATTTAAAGACA[A>G]TGCAGGCAGTTAACAAGAAGATGGATCCACAAAAGACATTACAAACAATGCAGAATTTCC-3'
Protein context (NP_054762.2, residues 99-119): AGAMSTTAKT[Met109Val]QAVNKKMDPQ